The following is an entry in ClinVar:

NM_015295.3(SMCHD1):c.3361A>G (p.Met1121Val)

Gene: SMCHD1 (structural maintenance of chromosomes flexible hinge domain containing 1; plus strand). Cytogenetic location: 18p11.32.
Variant type: single nucleotide variant.
Coding change: c.3361A>G on transcript NM_015295.3 (MANE Select); coding-DNA position 3361, A replaced by G.
Protein change: p.Met1121Val; replaces methionine 1121 with valine.
Molecular consequence: missense variant.
Genome position (GRCh38, 1-based): chr18:2,738,481, A>G. VCF-style: chr18-2738481-A-G. GRCh37 (hg19) VCF-style: chr18-2738479-A-G.
Other names: short protein forms M1121V.
Identifiers: ClinVar variation 648934 (VCV000648934.10), dbSNP rs572540832, ClinGen allele CA8871180.
Genomic context (GRCh38, chr18:2,738,481, plus strand): 5'-AAAGAACACTTGCTACAGGGTCTGCTTCCTGATGTGCAAGTACCAACATCTGTAAAAGAT[A>G]TGCGCTATTGCCAGGTTTCATTCCAAGATGATCATGTGTCTTTGGAAAGTGCGTTTACAG-3'
Protein context (NP_056110.2, residues 1111-1131): DVQVPTSVKD[Met1121Val]RYCQVSFQDD

ClinVar aggregate classification (germline): Uncertain significance. Review status: criteria provided, multiple submitters, no conflicts (2 of 4 stars). 2 submissions from 2 submitters: Uncertain significance (2). Last evaluated 2025-10-24.

Conditions:
Inborn genetic diseases. Identifiers: MedGen C0950123, MeSH D030342.
Facioscapulohumeral muscular dystrophy 2 (FSHD2). Also called: FACIOSCAPULOHUMERAL MUSCULAR DYSTROPHY 2, DIGENIC; FSHD2, DIGENIC; MUSCULAR DYSTROPHY, FACIOSCAPULOHUMERAL, TYPE 1B. Identifiers: Orphanet 269, MedGen C1834671, MONDO:0008031, OMIM 158901.

Allele frequency attached by ClinVar (database versions not stated): gnomAD 0.00001; gnomAD exomes 0.00002 and 0.00004; ExAC 0.00004; 1000 Genomes Project 30x 0.00016; 1000 Genomes Project 0.00020.

Submissions (2):

Ambry Genetics
Classification: Uncertain significance for Inborn genetic diseases. Last evaluated: 2025-10-24. Review status: criteria provided, single submitter. Criteria: Ambry Variant Classification Scheme 2023. Collection method: clinical testing. Allele origin: germline.

Labcorp Genetics (formerly Invitae), Labcorp
Classification: Uncertain significance for Facioscapulohumeral muscular dystrophy 2. Last evaluated: 2025-10-09. Review status: criteria provided, single submitter. Criteria: Invitae Variant Classification Sherloc (09022015). Collection method: clinical testing. Allele origin: germline.
Comment: This sequence change replaces methionine, which is neutral and non-polar, with valine, which is neutral and non-polar, at codon 1121 of the SMCHD1 protein (p.Met1121Val). This variant is present in population databases (rs572540832, gnomAD 0.03%). This variant has not been reported in the literature in individuals affected with SMCHD1-related conditions. ClinVar contains an entry for this variant (Variation ID: 648934). Invitae Evidence Modeling of protein sequence and biophysical properties (such as structural, functional, and spatial information, amino acid conservation, physicochemical variation, residue mobility, and thermodynamic stability) indicates that this missense variant is not expected to disrupt SMCHD1 protein function with a negative predictive value of 80%. In summary, the available evidence is currently insufficient to determine the role of this variant in disease. Therefore, it has been classified as a Variant of Uncertain Significance.